The following is an entry in ClinVar:

NM_019032.6(ADAMTSL4):c.1294C>T (p.Arg432Cys)

Genes: ADAMTSL4 (ADAMTS like 4; plus strand), ADAMTSL4-AS2 (ADAMTSL4 antisense RNA 2; minus strand). Cytogenetic location: 1q21.2.
Variant type: single nucleotide variant.
Coding change: c.1294C>T on transcript NM_019032.6 (MANE Select); coding-DNA position 1294, C replaced by T.
Protein change: p.Arg432Cys; replaces arginine 432 with cysteine.
Molecular consequence: missense variant.
Genome position (GRCh38, 1-based): chr1:150,555,488, C>T. VCF-style: chr1-150555488-C-T. GRCh37 (hg19) VCF-style: chr1-150527964-C-T.
Other names: c.1363C>T, p.Arg455Cys (NM_001288607.2, NM_001288608.2); c.1294C>T, p.Arg432Cys (NM_001378596.1, NM_025008.5); short protein forms R432C, R455C.
Identifiers: ClinVar variation 3676532 (VCV003676532.2).

ClinVar aggregate classification (germline): Uncertain significance (1 of 4 stars; one submission).

gnomAD v4.1: 12 of 1,614,052 alleles (0.00074%); highest among the groups gnomAD compares: South Asian, 0.0022%; no homozygotes.

Submission:

Labcorp Genetics (formerly Invitae), Labcorp
Classification: Uncertain significance. Last evaluated: 2024-02-23. Review status: criteria provided, single submitter. Criteria: Invitae Variant Classification Sherloc (09022015). Collection method: clinical testing. Allele origin: germline.
Comment: This sequence change replaces arginine, which is basic and polar, with cysteine, which is neutral and slightly polar, at codon 432 of the ADAMTSL4 protein (p.Arg432Cys). This variant is present in population databases (rs143798746, gnomAD 0.003%). This variant has not been reported in the literature in individuals affected with ADAMTSL4-related conditions. Advanced modeling of protein sequence and biophysical properties (such as structural, functional, and spatial information, amino acid conservation, physicochemical variation, residue mobility, and thermodynamic stability) has been performed at Invitae for this missense variant, however the output from this modeling did not meet the statistical confidence thresholds required to predict the impact of this variant on ADAMTSL4 protein function. In summary, the available evidence is currently insufficient to determine the role of this variant in disease. Therefore, it has been classified as a Variant of Uncertain Significance.